The following is an entry in ClinVar:

ClinVar aggregate classification (germline): Uncertain significance. Review status: criteria provided, multiple submitters, no conflicts (2 of 4 stars). 2 submissions from 2 submitters: Uncertain significance (2). Last evaluated 2025-12-21.

Conditions:
Catecholaminergic polymorphic ventricular tachycardia (CVPT). Also called: Catecholamine-induced polymorphic ventricular tachycardia. Identifiers: Orphanet 3286, MedGen C5574922, MONDO:0017990.
Catecholaminergic polymorphic ventricular tachycardia 1. Also called: VENTRICULAR TACHYCARDIA, CATECHOLAMINERGIC POLYMORPHIC, 1, WITH OR WITHOUT ATRIAL DYSFUNCTION AND/OR DILATED CARDIOMYOPATHY; VENTRICULAR TACHYCARDIA, STRESS-INDUCED POLYMORPHIC 1; RYR2-Related Catecholaminergic Polymorphic Ventricular Tachycardia. Identifiers: Orphanet 3286, MedGen C1631597, MONDO:0011484, OMIM 604772.

Submissions (2):

Labcorp Genetics (formerly Invitae), Labcorp
Classification: Uncertain significance for Catecholaminergic polymorphic ventricular tachycardia 1. Last evaluated: 2025-12-21. Review status: criteria provided, single submitter. Criteria: Invitae Variant Classification Sherloc (09022015). Collection method: clinical testing. Allele origin: germline.
Comment: This sequence change replaces alanine, which is neutral and non-polar, with threonine, which is neutral and polar, at codon 2651 of the RYR2 protein (p.Ala2651Thr). This variant is not present in population databases (gnomAD no frequency). This variant has not been reported in the literature in individuals affected with RYR2-related conditions. ClinVar contains an entry for this variant (Variation ID: 3385785). Invitae Evidence Modeling of protein sequence and biophysical properties (such as structural, functional, and spatial information, amino acid conservation, physicochemical variation, residue mobility, and thermodynamic stability) indicates that this missense variant is not expected to disrupt RYR2 protein function with a negative predictive value of 95%. In summary, the available evidence is currently insufficient to determine the role of this variant in disease. Therefore, it has been classified as a Variant of Uncertain Significance.

All of Us Research Program, National Institutes of Health
Classification: Uncertain significance for Catecholaminergic polymorphic ventricular tachycardia. Last evaluated: 2024-06-11. Review status: criteria provided, single submitter. Criteria: ACMG Guidelines, 2015. Collection method: clinical testing. Allele origin: germline. Inheritance: Autosomal dominant inheritance. Observed: 1 variant allele, 1 heterozygote.
Comment: This study involves interpretation of variants in research participants for the purpose of population health screening. Participant phenotype was not available at the time of variant classification. Additional details can be found in publication PMID: 35346344, PMCID: PMC8962531

NM_001035.3(RYR2):c.7951G>A (p.Ala2651Thr)

Gene: RYR2 (ryanodine receptor 2; plus strand). Cytogenetic location: 1q43.
Variant type: single nucleotide variant.
Coding change: c.7951G>A on transcript NM_001035.3 (MANE Select); coding-DNA position 7951, G replaced by A.
Protein change: p.Ala2651Thr; replaces alanine 2651 with threonine.
Molecular consequence: missense variant.
Genome position (GRCh38, 1-based): chr1:237,654,400, G>A. VCF-style: chr1-237654400-G-A. GRCh37 (hg19) VCF-style: chr1-237817700-G-A.
Other names: short protein forms A2651T.
Identifiers: ClinVar variation 3385785 (VCV003385785.2).